The following is an entry in ClinVar:

NM_001042492.3(NF1):c.4051A>C (p.Ile1351Leu)

Gene: NF1 (neurofibromin 1; plus strand). Cytogenetic location: 17q11.2.
Variant type: single nucleotide variant.
Coding change: c.4051A>C on transcript NM_001042492.3 (MANE Select); coding-DNA position 4051, A replaced by C.
Protein change: p.Ile1351Leu; replaces isoleucine 1351 with leucine.
Molecular consequence: missense variant.
Genome position (GRCh38, 1-based): chr17:31,249,060, A>C. VCF-style: chr17-31249060-A-C. GRCh37 (hg19) VCF-style: chr17-29576078-A-C.
Other names: c.4051A>C, p.Ile1351Leu (NM_000267.4); short protein forms I1351L.
Identifiers: ClinVar variation 642076 (VCV000642076.5), dbSNP rs1233135542, ClinGen allele CA398994979.

ClinVar aggregate classification (germline): Uncertain significance (1 of 4 stars; one submission).

Conditions:
Neurofibromatosis, type 1 (NF1). Also called: NEUROFIBROMATOSIS, TYPE I, SOMATIC; VON RECKLINGHAUSEN DISEASE; Neurofibromatosis, type I; Peripheral type neurofibromatosis. Identifiers: Orphanet 636, MedGen C0027831, MONDO:0018975, OMIM 162200. Disease mechanism: loss of function.

gnomAD v4.1: 2 of 1,614,174 alleles (0.00012%); highest among the groups gnomAD compares: Middle Eastern, 0.016%; no homozygotes.

Submission:

Labcorp Genetics (formerly Invitae), Labcorp
Classification: Uncertain significance for Neurofibromatosis, type 1. Last evaluated: 2025-06-01. Review status: criteria provided, single submitter. Criteria: Invitae Variant Classification Sherloc (09022015). Collection method: clinical testing. Allele origin: germline.
Comment: This sequence change replaces isoleucine, which is neutral and non-polar, with leucine, which is neutral and non-polar, at codon 1351 of the NF1 protein (p.Ile1351Leu). This variant is not present in population databases (gnomAD no frequency). This variant has not been reported in the literature in individuals affected with NF1-related conditions. ClinVar contains an entry for this variant (Variation ID: 642076). Invitae Evidence Modeling of protein sequence and biophysical properties (such as structural, functional, and spatial information, amino acid conservation, physicochemical variation, residue mobility, and thermodynamic stability) indicates that this missense variant is not expected to disrupt NF1 protein function with a negative predictive value of 95%. In summary, the available evidence is currently insufficient to determine the role of this variant in disease. Therefore, it has been classified as a Variant of Uncertain Significance.